The following is an entry in ClinVar:

NM_000548.5(TSC2):c.337-17G>A

Gene: TSC2 (TSC complex subunit 2; plus strand). Cytogenetic location: 16p13.3.
Variant type: single nucleotide variant.
Coding change: c.337-17G>A on transcript NM_000548.5 (MANE Select); 17 bases into the intron before coding-DNA position 337, G replaced by A.
Molecular consequence: intron variant.
Genome position (GRCh38, 1-based): chr16:2,054,279, G>A. VCF-style: chr16-2054279-G-A. GRCh37 (hg19) VCF-style: chr16-2104280-G-A.
Other names: c.337-17G>A (NM_001114382.3, NM_021055.3, NM_001370405.1 and 3 more transcripts); c.226-17G>A (NM_001318827.2); c.-1-1917G>A (NM_001318831.2); c.190-17G>A (NM_001318829.2); c.370-17G>A (NM_001318832.2).
Identifiers: ClinVar variation 1654682 (VCV001654682.9), dbSNP rs1259615174, ClinGen allele CA2573151788.
Genomic context (GRCh38, chr16:2,054,279, plus strand): 5'-CTGCACTTCAGGGACTTCTTGGCAGCCGTGTGGGCGACGCTGGCAGGCTCTGCTGATCCT[G>A]TGGCTTTTGTCTTTAGGGCGAGCGTTTGGGGGTCCTCAGAGCCCTCTTCTTTAAGGTCAT-3'

ClinVar aggregate classification (germline): Likely benign. Review status: criteria provided, multiple submitters, no conflicts (2 of 4 stars). 2 submissions from 2 submitters: Likely benign (2). Last evaluated 2025-05-02.

Conditions:
Tuberous sclerosis 2 (TSC2). Identifiers: Orphanet 805, MedGen C1860707, MONDO:0013199, OMIM 613254.

Submissions (2):

Myriad Genetics, Inc.
Classification: Likely benign for Tuberous sclerosis 2. Last evaluated: 2025-05-02. Review status: criteria provided, single submitter. Criteria: Myriad Autosomal Dominant, Autosomal Recessive and X-Linked Classification Criteria (2023). Collection method: clinical testing. Allele origin: unknown.
Comment: This variant is considered likely benign. This variant is intronic and is not expected to impact mRNA splicing.

Labcorp Genetics (formerly Invitae), Labcorp
Classification: Likely benign for Tuberous sclerosis 2. Last evaluated: 2022-08-10. Review status: criteria provided, single submitter. Criteria: Invitae Variant Classification Sherloc (09022015). Collection method: clinical testing. Allele origin: germline.